The following is an entry in ClinVar:

ClinVar aggregate classification (germline): Uncertain significance (1 of 4 stars; one submission).

Allele frequency attached by ClinVar (database versions not stated): ExAC 0.00001; gnomAD 0.00001; gnomAD exomes 0.00001.
gnomAD v4.1: 11 of 1,603,854 alleles (0.00069%); highest among the groups gnomAD compares: South Asian, 0.0089%; no homozygotes.

Submission:

Labcorp Genetics (formerly Invitae), Labcorp
Classification: Uncertain significance. Last evaluated: 2022-07-24. Review status: criteria provided, single submitter. Criteria: Invitae Variant Classification Sherloc (09022015). Collection method: clinical testing. Allele origin: germline.
Comment: Experimental studies and prediction algorithms are not available or were not evaluated, and the functional significance of this variant is currently unknown. In summary, the available evidence is currently insufficient to determine the role of this variant in disease. Therefore, it has been classified as a Variant of Uncertain Significance. This variant has not been reported in the literature in individuals affected with MAP3K20-related conditions. This variant is present in population databases (rs778244488, gnomAD 0.01%). This sequence change replaces arginine, which is basic and polar, with lysine, which is basic and polar, at codon 779 of the MAP3K20 protein (p.Arg779Lys).

NM_016653.3(MAP3K20):c.2336G>A (p.Arg779Lys)

Genes: MAP3K20 (mitogen-activated protein kinase kinase kinase 20; plus strand), MAP3K20-AS1 (MAP3K20 antisense RNA 1; minus strand). Cytogenetic location: 2q31.1.
Variant type: single nucleotide variant.
Coding change: c.2336G>A on transcript NM_016653.3 (MANE Select); coding-DNA position 2336, G replaced by A.
Protein change: p.Arg779Lys; replaces arginine 779 with lysine.
Molecular consequence: missense variant.
Genome position (GRCh38, 1-based): chr2:173,266,683, G>A. VCF-style: chr2-173266683-G-A. GRCh37 (hg19) VCF-style: chr2-174131411-G-A.
Other names: short protein forms R779K.
Identifiers: ClinVar variation 1959087 (VCV001959087.5), dbSNP rs778244488, ClinGen allele CA1971079.